The following is an entry in ClinVar:

ClinVar aggregate classification (germline): Pathogenic/Likely pathogenic. Review status: criteria provided, multiple submitters, no conflicts (2 of 4 stars). 2 submissions from 2 submitters: Pathogenic (1); Likely pathogenic (1). Last evaluated 2024-09-08.

Conditions:
Aortic aneurysm, familial thoracic 10 (AAT10). Identifiers: MedGen C4284414, MONDO:0014950, OMIM 617168.
Familial thoracic aortic aneurysm and aortic dissection (TAAD). Also called: Thoracic aortic aneurysms and dissections. Identifiers: Orphanet 91387, MedGen C4707243, MONDO:0019625.

Submissions (2):

Molecular Genetics, Royal Melbourne Hospital
Classification: Pathogenic for Familial thoracic aortic aneurysm and aortic dissection. Last evaluated: 2024-09-08. Review status: criteria provided, single submitter. Criteria: ACMG Guidelines, 2015. Collection method: clinical testing. Allele origin: germline. Inheritance: Autosomal dominant inheritance. Affected: yes.
Comment: This sequence change in LOX is a nonsense variant predicted to create a premature stop codon, p.(Ser130*), in biologically relevant exon 1/7 leading to nonsense-mediated decay in a gene in which loss-of-function is an established disease mechanism (PMID: 12417550, 26838787, 27432961). Loss-of-function variants are a well-established cause of disease in exon 1 (ClinVar). This variant is absent from the population database gnomAD v4.1. This variant has been reported in at least two probands with a phenotype consistent with familial thoracic aortic aneurysm and aortic dissection (PMID: 39039281; this individual). Based on the classification scheme RMH Modified ACMG/AMP Guidelines v1.7.0, this variant is classified as PATHOGENIC. Following criteria are met: PVS1, PM2_Supporting, PM5_Supporting, PS4_Supporting

Institute of Human Genetics Munich, TUM University Hospital
Classification: Likely pathogenic for Aortic aneurysm, familial thoracic 10. Last evaluated: 2021-09-13. Review status: criteria provided, single submitter. Criteria: Classification criteria August 2017. Collection method: clinical testing. Allele origin: germline, paternal. Inheritance: Autosomal dominant inheritance. Affected: yes. Observed: 2 variant alleles.

Literature cited by the submitters: PubMed 12417550 (cited by Molecular Genetics, Royal Melbourne Hospital); PubMed 26838787 (cited by Molecular Genetics, Royal Melbourne Hospital); PubMed 27432961 (cited by Molecular Genetics, Royal Melbourne Hospital); PubMed 39039281 (cited by Molecular Genetics, Royal Melbourne Hospital).

NM_002317.7(LOX):c.389C>A (p.Ser130Ter)

Genes: SRFBP1 (serum response factor binding protein 1; plus strand), LOX (lysyl oxidase; minus strand). Cytogenetic location: 5q23.1.
Variant type: single nucleotide variant.
Coding change: c.389C>A on transcript NM_002317.7 (MANE Select); coding-DNA position 389, C replaced by A.
Protein change: p.Ser130Ter; replaces serine 130 with a stop codon.
Molecular consequence: nonsense.
Genome position (GRCh38, 1-based): chr5:122,077,597, G>T on the plus strand (C>A on the coding strand, the complement: LOX is on the minus strand). VCF-style: chr5-122077597-G-T. GRCh37 (hg19) VCF-style: chr5-121413292-G-T.
Other names: short protein forms S130*.
Identifiers: ClinVar variation 1804003 (VCV001804003.2), dbSNP rs2532917019, ClinGen allele CA360876492.